The following is an entry in ClinVar:

ClinVar aggregate classification (germline): Uncertain significance. Review status: criteria provided, multiple submitters, no conflicts (2 of 4 stars). 2 submissions from 2 submitters: Uncertain significance (2). Last evaluated 2025-12-24.

Conditions:
Hereditary nonpolyposis colorectal neoplasms. Identifiers: MedGen C0009405, MeSH D003123.
Hereditary cancer-predisposing syndrome. Also called: Hereditary Cancer Syndrome; Neoplastic Syndromes, Hereditary; Tumor predisposition; Hereditary neoplastic syndrome. Identifiers: Orphanet 140162, MedGen C0027672, MeSH D009386, MONDO:0015356.

Submissions (2):

Ambry Genetics
Classification: Uncertain significance for Hereditary cancer-predisposing syndrome. Last evaluated: 2025-12-24. Review status: criteria provided, single submitter. Criteria: Ambry Variant Classification Scheme 2023. Collection method: clinical testing. Allele origin: germline.

Labcorp Genetics (formerly Invitae), Labcorp
Classification: Uncertain significance for Hereditary nonpolyposis colorectal neoplasms. Last evaluated: 2024-03-21. Review status: criteria provided, single submitter. Criteria: Invitae Variant Classification Sherloc (09022015). Collection method: clinical testing. Allele origin: germline.
Comment: This sequence change replaces lysine, which is basic and polar, with glutamine, which is neutral and polar, at codon 766 of the PMS2 protein (p.Lys766Gln). The frequency data for this variant in the population databases (gnomAD) is considered unreliable due to the presence of homologous sequence, such as pseudogenes or paralogs, in the genome. This variant has not been reported in the literature in individuals affected with PMS2-related conditions. Advanced modeling of protein sequence and biophysical properties (such as structural, functional, and spatial information, amino acid conservation, physicochemical variation, residue mobility, and thermodynamic stability) performed at Invitae indicates that this missense variant is not expected to disrupt PMS2 protein function with a negative predictive value of 80%. In summary, the available evidence is currently insufficient to determine the role of this variant in disease. Therefore, it has been classified as a Variant of Uncertain Significance.

NM_000535.7(PMS2):c.2296A>C (p.Lys766Gln)

Gene: PMS2 (PMS1 homolog 2, mismatch repair system component; minus strand). Cytogenetic location: 7p22.1.
Variant type: single nucleotide variant.
Coding change: c.2296A>C on transcript NM_000535.7 (MANE Select); coding-DNA position 2296, A replaced by C.
Protein change: p.Lys766Gln; replaces lysine 766 with glutamine.
Molecular consequence: missense variant. On other transcripts: intron variant (2).
Genome position (GRCh38, 1-based): chr7:5,977,737, T>G on the plus strand (A>C on the coding strand, the complement: PMS2 is on the minus strand). VCF-style: chr7-5977737-T-G. GRCh37 (hg19) VCF-style: chr7-6017368-T-G.
Other names: c.1735A>C, p.Lys579Gln (NM_001322010.2, NM_001406906.1, NM_001406907.1); c.1363A>C, p.Lys455Gln (NM_001322011.2, NM_001322012.2); c.1723A>C, p.Lys575Gln (NM_001322013.2, NM_001406908.1, NM_001406909.1); c.2329A>C, p.Lys777Gln (NM_001322014.2); c.1987A>C, p.Lys663Gln (NM_001322015.2, NM_001406881.1, NM_001406882.1 and 4 more transcripts); c.2482A>C, p.Lys828Gln (NM_001406866.1); c.2320A>C, p.Lys774Gln (NM_001406868.1); c.2188A>C, p.Lys730Gln (NM_001406869.1); and 20 more; short protein forms K365Q, K575Q, K579Q, K631Q, K654Q, K671Q, K710Q, K730Q.
Identifiers: ClinVar variation 3667015 (VCV003667015.3).